The following is an entry in ClinVar:

ClinVar aggregate classification (germline): Uncertain significance. Review status: criteria provided, multiple submitters, no conflicts (2 of 4 stars). 3 submissions from 3 submitters: Uncertain significance (3). Last evaluated 2026-06-03.

Allele frequency attached by ClinVar (database versions not stated): gnomAD 0.00016; TOPMed 0.00016; gnomAD exomes 0.00001 and 0.00003; ExAC 0.00004; ESP Exome Variant Server 0.00015; 1000 Genomes Project 30x 0.00016; 1000 Genomes Project 0.00020.
gnomAD v4.1: 40 of 1,510,952 alleles (0.0026%); highest among the groups gnomAD compares: African/African-American, 0.052%; no homozygotes.

Submissions (3):

GeneDx
Classification: Uncertain significance. Last evaluated: 2026-06-03. Review status: criteria provided, single submitter. Criteria: GeneDx Variant Classification Process June 2021. Collection method: clinical testing. Allele origin: germline.
Comment: In silico analysis suggests that this variant does not alter splicing; Has not been previously published as pathogenic or benign to our knowledge

Labcorp Genetics (formerly Invitae), Labcorp
Classification: Uncertain significance. Last evaluated: 2025-12-30. Review status: criteria provided, single submitter. Criteria: Invitae Variant Classification Sherloc (09022015). Collection method: clinical testing. Allele origin: germline.
Comment: This sequence change falls in intron 12 of the MYO3A gene. It does not directly change the encoded amino acid sequence of the MYO3A protein. It affects a nucleotide within the consensus splice site. This variant is present in population databases (rs370017770, gnomAD 0.05%). This variant has not been reported in the literature in individuals affected with MYO3A-related conditions. ClinVar contains an entry for this variant (Variation ID: 497392). Variants that disrupt the consensus splice site are a relatively common cause of aberrant splicing (PMID: 17576681, 9536098). Algorithms developed to predict the effect of sequence changes on RNA splicing suggest that this variant may disrupt the consensus splice site. In summary, the available evidence is currently insufficient to determine the role of this variant in disease. Therefore, it has been classified as a Variant of Uncertain Significance.

Eurofins Ntd Llc (ga)
Classification: Uncertain significance. Last evaluated: 2016-10-12. Review status: criteria provided, single submitter. Criteria: EGL Classification Definitions 2015. Collection method: clinical testing. Allele origin: germline. Observed: 1 variant allele, 1 heterozygote.

Literature cited by the submitters: PubMed 17576681 (cited by Labcorp Genetics (formerly Invitae), Labcorp); PubMed 9536098 (cited by Labcorp Genetics (formerly Invitae), Labcorp).

NM_017433.5(MYO3A):c.1170+5G>A

Gene: MYO3A (myosin IIIA; plus strand). Cytogenetic location: 10p12.1.
Variant type: single nucleotide variant.
Coding change: c.1170+5G>A on transcript NM_017433.5 (MANE Select); 5 bases into the intron after coding-DNA position 1170, G replaced by A.
Molecular consequence: intron variant.
Genome position (GRCh38, 1-based): chr10:26,068,889, G>A. VCF-style: chr10-26068889-G-A. GRCh37 (hg19) VCF-style: chr10-26357818-G-A.
Identifiers: ClinVar variation 497392 (VCV000497392.9), dbSNP rs370017770, ClinGen allele CA5444566.
Genomic context (GRCh38, chr10:26,068,889, plus strand): 5'-GAGACATACTCATTGCTCTTAACCCTTTTCAGAGTCTGGGTCTTTACTCCACAAAGGTAT[G>A]TCGTATGGGGTGCATTCTGTTACTTCATACACATAATTATACATTCAGATACTTAAATTA-3'